The following is an entry in ClinVar:

NM_006361.6(HOXB13):c.760A>G (p.Ser254Gly)

Gene: HOXB13 (homeobox B13; minus strand). Cytogenetic location: 17q21.32.
Variant type: single nucleotide variant.
Coding change: c.760A>G on transcript NM_006361.6 (MANE Select); coding-DNA position 760, A replaced by G.
Protein change: p.Ser254Gly; replaces serine 254 with glycine.
Molecular consequence: missense variant.
Genome position (GRCh38, 1-based): chr17:48,726,885, T>C on the plus strand (A>G on the coding strand, the complement: HOXB13 is on the minus strand). VCF-style: chr17-48726885-T-C. GRCh37 (hg19) VCF-style: chr17-46804247-T-C.
Other names: short protein forms S254G.
Identifiers: ClinVar variation 2837343 (VCV002837343.3), dbSNP rs1597932626, ClinGen allele CA400105988.

ClinVar aggregate classification (germline): Uncertain significance (1 of 4 stars; one submission).

Submission:

Labcorp Genetics (formerly Invitae), Labcorp
Classification: Uncertain significance. Last evaluated: 2023-02-14. Review status: criteria provided, single submitter. Criteria: Invitae Variant Classification Sherloc (09022015). Collection method: clinical testing. Allele origin: germline.
Comment: This sequence change replaces serine, which is neutral and polar, with glycine, which is neutral and non-polar, at codon 254 of the HOXB13 protein (p.Ser254Gly). This variant is not present in population databases (gnomAD no frequency). This variant has not been reported in the literature in individuals affected with HOXB13-related conditions. Advanced modeling of protein sequence and biophysical properties (such as structural, functional, and spatial information, amino acid conservation, physicochemical variation, residue mobility, and thermodynamic stability) performed at Invitae indicates that this missense variant is not expected to disrupt HOXB13 protein function. In summary, the available evidence is currently insufficient to determine the role of this variant in disease. Therefore, it has been classified as a Variant of Uncertain Significance.